The following is an entry in ClinVar:

NM_177965.4(CFAP418):c.373A>C (p.Arg125=)

Gene: CFAP418 (cilia and flagella associated protein 418; minus strand). Cytogenetic location: 8q22.1.
Variant type: single nucleotide variant.
Coding change: c.373A>C on transcript NM_177965.4 (MANE Select); coding-DNA position 373, A replaced by C.
Protein change: p.Arg125=; no amino-acid change (arginine 125 retained).
Molecular consequence: synonymous variant.
Genome position (GRCh38, 1-based): chr8:95,259,841, T>G on the plus strand (A>C on the coding strand, the complement: CFAP418 is on the minus strand). VCF-style: chr8-95259841-T-G. GRCh37 (hg19) VCF-style: chr8-96272069-T-G.
Other names: c.373A>C, p.Arg125= (NM_001363260.1).
Identifiers: ClinVar variation 4991655 (VCV004991655.1).
Genomic context (GRCh38, chr8:95,259,841, plus strand): 5'-TGGGGCATCCATTTGGAAAAAACCTAGTAAGAAAGTATAATACATTTCTGACAACCTACC[T>G]CCATGAAATATTTGTTCCAATCCCACATGGAATAGAGCTTCCACCAAGGTACACCGGACT-3'
Protein context (NP_808880.1, residues 115-135): PCGIGTNISW[Arg125=]ACDHLRCIAC

ClinVar aggregate classification (germline): Uncertain significance (1 of 4 stars; one submission).

Conditions:
CFAP418-related disorder. Also called: CFAP418-related condition.

Submission:

PreventionGenetics, part of Exact Sciences
Classification: Uncertain significance for CFAP418-related condition. Last evaluated: 2025-09-23. Review status: criteria provided, single submitter. Criteria: ACMG Guidelines, 2015. Collection method: clinical testing. Allele origin: germline.
Comment: The CFAP418 c.373A>C variant is not predicted to result in an amino acid change (p.=). This variant is predicted to alter splicing based on one available splicing algorithm (SpliceAI, Jaganathan et al. 2019. PubMed ID: 30661751). To our knowledge, this variant has not been reported in the literature or in a large population database (gnomAD), indicating this variant is rare. At this time, the clinical significance of this variant is uncertain due to the absence of conclusive functional and genetic evidence.